The following is an entry in ClinVar:

NM_178012.5(TUBB2B):c.70A>G (p.Ile24Val)

Gene: TUBB2B (tubulin beta 2B class IIb; minus strand). Cytogenetic location: 6p25.2.
Variant type: single nucleotide variant.
Coding change: c.70A>G on transcript NM_178012.5 (MANE Select); coding-DNA position 70, A replaced by G.
Protein change: p.Ile24Val; replaces isoleucine 24 with valine.
Molecular consequence: missense variant.
Genome position (GRCh38, 1-based): chr6:3,226,657, T>C on the plus strand (A>G on the coding strand, the complement: TUBB2B is on the minus strand). VCF-style: chr6-3226657-T-C. GRCh37 (hg19) VCF-style: chr6-3226891-T-C.
Other names: short protein forms I24V.
Identifiers: ClinVar variation 1328550 (VCV001328550.4), dbSNP rs2113819824, ClinGen allele CA362590027.

ClinVar aggregate classification (germline): Uncertain significance (1 of 4 stars; one submission).

Conditions:
TUBB2B-related tubulinopathy.

Allele frequency attached by ClinVar (database versions not stated): gnomAD exomes below 0.00001.

Submission:

Illumina Laboratory Services, Illumina
Classification: Uncertain significance for TUBB2B-related tubulinopathy. Last evaluated: 2021-06-16. Review status: criteria provided, single submitter. Criteria: ICSLVariantClassificationCriteria RUGD 01 April 2020. Collection method: clinical testing. Allele origin: unknown.
Comment: The TUBB2B c.70A>G (p.Ile24Val) variant is a missense variant. A literature search was performed for the gene, cDNA change, and amino acid change. No publications were found based on this search. This variant is not found in version 2.1.1 or version 3.1.1 of the Genome Aggregation Database despite its location in a region of good sequencing coverage, which suggests the variant is rare. Based on the limited evidence, the p.Ile24Val variant is classified as a variant of uncertain significance for TUBB2B-related tubulinopathy.